The following is an entry in ClinVar:

NM_014319.5(LEMD3):c.785_792dup (p.Asp265fs)

Gene: LEMD3 (LEM domain containing 3; plus strand). Cytogenetic location: 12q14.3.
Variant type: Duplication.
Coding change: c.785_792dup on transcript NM_014319.5 (MANE Select); coding-DNA positions 785 to 792, 8 bases duplicated (AGGAAGAG; older notation c.785_792dupAGGAAGAG).
Protein change: p.Asp265fs; shifts the reading frame from aspartic acid 265.
Molecular consequence: frameshift variant.
Genome position (GRCh38, 1-based): chr12:65,170,381-65,170,388, AGGAAGAG duplicated; duplicating any 8 consecutive bases within chr12:65,170,379-65,170,388 gives the same sequence; the c. name uses the placement nearest the transcript's 3' end. VCF-style (leftmost placement, unchanged base first): chr12-65170378-C-CAGAGGAAG. GRCh37 (hg19) VCF-style: chr12-65564158-C-CAGAGGAAG.
Other names: c.785_792dup, p.Asp265fs (NM_001167614.2); short protein forms D265fs.
Identifiers: ClinVar variation 817380 (VCV000817380.1), dbSNP rs1592424894, ClinGen allele CA915948560.

ClinVar aggregate classification (germline): Pathogenic (1 of 4 stars; one submission).

Submission:

GeneDx
Classification: Pathogenic. Last evaluated: 2019-01-14. Review status: criteria provided, single submitter. Criteria: GeneDx Variant Classification (06012015). Collection method: clinical testing. Allele origin: germline. Affected: yes.
Comment: The c.785_792dupAGGAAGAG variant in the LEMD3 gene has not been reported previously as a pathogenic variant nor as a benign variant, to our knowledge. This variant causes a frameshift starting with codon Aspartic Acid 265, changes this amino acid to an Arginine residue, and creates a premature Stop codon at position 15 of the new reading frame, denoted p.Asp265ArgfsX15. This variant is predicted to cause loss of normal protein function either through protein truncation or nonsense-mediated mRNA decay. The c.785_792dupAGGAAGAG variant is not observed in large population cohorts (Lek et al., 2016). We interpret c.785_792dupAGGAAGAG as a pathogenic variant.